The following is an entry in ClinVar:

NM_000179.3(MSH6):c.2038G>A (p.Ala680Thr)

Gene: MSH6 (mutS homolog 6; plus strand). Cytogenetic location: 2p16.3.
Variant type: single nucleotide variant.
Coding change: c.2038G>A on transcript NM_000179.3 (MANE Select); coding-DNA position 2038, G replaced by A.
Protein change: p.Ala680Thr; replaces alanine 680 with threonine.
Molecular consequence: missense variant.
Genome position (GRCh38, 1-based): chr2:47,800,021, G>A. VCF-style: chr2-47800021-G-A. GRCh37 (hg19) VCF-style: chr2-48027160-G-A.
Other names: c.1648G>A, p.Ala550Thr (NM_001281492.2); c.1132G>A, p.Ala378Thr (NM_001281493.2, NM_001281494.2); short protein forms A378T, A680T, A550T.
Identifiers: ClinVar variation 820569 (VCV000820569.19), dbSNP rs1572725427, ClinGen allele CA346750737.
Genomic context (GRCh38, chr2:47,800,021, plus strand): 5'-AAAGGTATGACTTCAGAGTCTGATTCCATTGGGTTGACACCAGGAGAGAAAAGTGAATTG[G>A]CCCTCTCTGCTCTAGGTGGTTGTGTCTTCTACCTCAAAAAATGCCTTATTGATCAGGAGC-3'
Protein context (NP_000170.1, residues 670-690): GLTPGEKSEL[Ala680Thr]LSALGGCVFY

ClinVar aggregate classification (germline): Uncertain significance. Review status: criteria provided, multiple submitters, no conflicts (2 of 4 stars). 4 submissions from 4 submitters: Uncertain significance (4). Last evaluated 2023-12-11.

Conditions:
Hereditary nonpolyposis colorectal neoplasms. Identifiers: MedGen C0009405, MeSH D003123.
Hereditary cancer-predisposing syndrome. Also called: Neoplastic Syndromes, Hereditary; Tumor predisposition; Hereditary Cancer Syndrome; Hereditary neoplastic syndrome. Identifiers: Orphanet 140162, MedGen C0027672, MeSH D009386, MONDO:0015356.

Submissions (4):

Blueprint Genetics
Classification: Uncertain significance. Last evaluated: 2023-12-11. Review status: criteria provided, single submitter. Criteria: ACMG Guidelines, 2015. Collection method: clinical testing. Allele origin: germline.

Color Diagnostics, LLC DBA Color Health
Classification: Uncertain significance for Hereditary cancer-predisposing syndrome. Last evaluated: 2023-12-05. Review status: criteria provided, single submitter. Criteria: ACMG Guidelines, 2015. Collection method: clinical testing. Allele origin: germline.
Comment: This missense variant replaces alanine with threonine at codon 680 of the MSH6 protein. Computational prediction tools and conservation analyses are inconclusive regarding the impact of this variant on protein structure and function. Splice site prediction tools suggest that this variant may not impact RNA splicing. To our knowledge, functional studies have not been performed for this variant. This variant has not been reported in individuals affected with hereditary cancer in the literature. This variant has not been identified in the general population by the Genome Aggregation Database (gnomAD). The available evidence is insufficient to determine the role of this variant in disease conclusively. Therefore, this variant is classified as a Variant of Uncertain Significance.

Labcorp Genetics (formerly Invitae), Labcorp
Classification: Uncertain significance for Hereditary nonpolyposis colorectal neoplasms. Last evaluated: 2023-11-01. Review status: criteria provided, single submitter. Criteria: Invitae Variant Classification Sherloc (09022015). Collection method: clinical testing. Allele origin: germline.
Comment: This sequence change replaces alanine, which is neutral and non-polar, with threonine, which is neutral and polar, at codon 680 of the MSH6 protein (p.Ala680Thr). This variant is not present in population databases (gnomAD no frequency). This variant has not been reported in the literature in individuals affected with MSH6-related conditions. ClinVar contains an entry for this variant (Variation ID: 820569). Advanced modeling of protein sequence and biophysical properties (such as structural, functional, and spatial information, amino acid conservation, physicochemical variation, residue mobility, and thermodynamic stability) performed at Invitae indicates that this missense variant is not expected to disrupt MSH6 protein function with a negative predictive value of 95%. In summary, the available evidence is currently insufficient to determine the role of this variant in disease. Therefore, it has been classified as a Variant of Uncertain Significance.

Ambry Genetics
Classification: Uncertain significance for Hereditary cancer-predisposing syndrome. Last evaluated: 2019-10-22. Review status: criteria provided, single submitter. Criteria: Ambry Variant Classification Scheme 2023. Collection method: clinical testing. Allele origin: germline.
Comment: The p.A680T variant (also known as c.2038G>A), located in coding exon 4 of the MSH6 gene, results from a G to A substitution at nucleotide position 2038. The alanine at codon 680 is replaced by threonine, an amino acid with similar properties. This amino acid position is well conserved in available vertebrate species. In addition, this alteration is predicted to be deleterious by in silico analysis. Since supporting evidence is limited at this time, the clinical significance of this alteration remains unclear.